The following is an entry in ClinVar:

NM_001242896.3(DEPDC5):c.2805_2808del (p.Ile936fs)

Gene: DEPDC5 (DEP domain containing 5, GATOR1 subcomplex subunit; plus strand). Cytogenetic location: 22q12.3.
Variant type: Deletion.
Coding change: c.2805_2808del on transcript NM_001242896.3 (MANE Select); coding-DNA positions 2805 to 2808, 4 bases deleted (AATT; older notation c.2805_2808delAATT).
Protein change: p.Ile936fs; shifts the reading frame from isoleucine 936.
Molecular consequence: frameshift variant. On other transcripts: non-coding transcript variant (5).
Genome position (GRCh38, 1-based): chr22:31,845,021-31,845,024, AATT deleted; deleting any 4 consecutive bases within chr22:31,845,019-31,845,024 gives the same sequence; the c. name uses the placement nearest the transcript's 3' end. VCF-style (leftmost placement, unchanged base first): chr22-31845018-CTTAA-C. GRCh37 (hg19) VCF-style: chr22-32241004-CTTAA-C.
Other names: c.2778_2781del, p.Ile927fs (NM_001136029.4, NM_001369903.1, NM_014662.6); c.2571_2574del, p.Ile858fs (NM_001242897.2, NM_001363854.2, NM_001364319.2); c.2805_2808del, p.Ile936fs (NM_001363852.2, NM_001364318.2, NM_001364320.2); c.2721_2724del, p.Ile908fs (NM_001369901.1, NM_001369902.1); short protein forms I858fs, I908fs, I927fs, I936fs.
Identifiers: ClinVar variation 4685515 (VCV004685515.1).

ClinVar aggregate classification (germline): Pathogenic (1 of 4 stars; one submission).

Conditions:
Epilepsy, familial focal, with variable foci 1 (FFEVF1). Also called: DEPDC5-Related Epilepsy. Identifiers: MedGen C4551983, MONDO:0024556, OMIM 604364.

Submission:

Imagene.me medical diagnostic laboratory, IMAGENE.ME SA
Classification: Pathogenic for Epilepsy, familial focal, with variable foci 1. Review status: criteria provided, single submitter. Criteria: IMAGENE.ME Variant Classification SOP 2022. Collection method: clinical testing. Allele origin: germline. Affected: yes.
Comment: Classified according to the IMAGENE.ME variant classification SOP based on the ACMG guidelines as Pathogenic (P): PVS1 + PM2 + PP4_Moderate + BS4_Supporting